The following is an entry in ClinVar:

GRCh38/hg38 1q43-44(chr1:241047422-248924593)x1

Genes: LYPD8 (LY6/PLAUR domain containing 8; minus strand), MAP1LC3C (microtubule associated protein 1 light chain 3 gamma; minus strand), MIR3123 (microRNA 3123; plus strand), MIR3124 (microRNA 3124; plus strand), MIR3916 (microRNA 3916; minus strand) and 262 more. Cytogenetic location: 1q43-44.
Variant type: copy number loss.
Change: copy number 1 (one copy instead of two) of chr1:241,047,422-248,924,593 (7.88 Mb, GRCh38 coordinates, 1-based), cytogenetic band 1q43-44.
Identifiers: ClinVar variation 60151 (VCV000060151.2).

ClinVar aggregate classification (germline): Pathogenic (1 of 4 stars; one submission).

Submission:

ISCA Site 6
Classification: Pathogenic. Last evaluated: 2011-08-12. Review status: criteria provided, single submitter. Criteria: Kaminsky et al. (Genet Med. 2011). Collection method: clinical testing. Allele origin: unknown. Affected: yes. Observed: 1 variant allele.
Comment: Copy number variation identified through the course of routine clinical cytogenomic testing in postnatal populations. Clinical assertions have been curated as described in Kaminsky et al. 2011.